The following is an entry in ClinVar:

NM_007255.3(B4GALT7):c.717G>A (p.Gly239=)

Gene: B4GALT7 (beta-1,4-galactosyltransferase 7; plus strand). Cytogenetic location: 5q35.3.
Variant type: single nucleotide variant.
Coding change: c.717G>A on transcript NM_007255.3 (MANE Select); coding-DNA position 717, G replaced by A.
Protein change: p.Gly239=; no amino-acid change (glycine 239 retained).
Molecular consequence: synonymous variant.
Genome position (GRCh38, 1-based): chr5:177,608,616, G>A. VCF-style: chr5-177608616-G-A. GRCh37 (hg19) VCF-style: chr5-177035617-G-A.
Identifiers: ClinVar variation 4847785 (VCV004847785.1).
Genomic context (GRCh38, chr5:177,608,616, plus strand): 5'-CCGCTTCTGGGGCTGGGGCCGCGAGGACGACGAGTTCTACCGGCGCATTAAGGGAGCTGG[G>A]CTCCAGGTGAGATTCCCCGGGCCCCGCCGCCACCTCAGCTGCGGTGGCTGCCCTGAGATT-3'
Protein context (NP_009186.1, residues 229-249): DEFYRRIKGA[Gly239=]LQLFRPSGIT

ClinVar aggregate classification (germline): Likely benign (1 of 4 stars; one submission).

gnomAD v4.1: 15 of 1,613,706 alleles (0.00093%); highest among the groups gnomAD compares: South Asian, 0.016%; no homozygotes.

Submission:

Women's Health and Genetics/Laboratory Corporation of America, LabCorp
Classification: Likely benign. Last evaluated: 2026-02-16. Review status: criteria provided, single submitter. Criteria: LabCorp Variant Classification Summary - May 2015. Collection method: clinical testing. Allele origin: germline.
Comment: Variant summary: B4GALT7 c.717G>A alters a conserved nucleotide resulting in a synonymous change. Consensus agreement among computation tools predict no significant impact on normal splicing. However, these predictions have yet to be confirmed by functional studies. The variant allele was found at a frequency of 2.8e-05 in 249986 control chromosomes. The available data on variant occurrences in the general population are insufficient to allow any conclusion about variant significance. To our knowledge, no occurrence of c.717G>A in individuals affected with B4GALT7-related conditions and no experimental evidence demonstrating its impact on protein function have been reported. No submitters have cited clinical-significance assessments for this variant to ClinVar. Based on the evidence outlined above, the variant was classified as likely benign.